The following is an entry in ClinVar:

NM_001160372.4(TRAPPC9):c.1099T>G (p.Phe367Val)

Gene: TRAPPC9 (trafficking protein particle complex subunit 9; minus strand). Cytogenetic location: 8q24.3.
Variant type: single nucleotide variant.
Coding change: c.1099T>G on transcript NM_001160372.4 (MANE Select); coding-DNA position 1099, T replaced by G.
Protein change: p.Phe367Val; replaces phenylalanine 367 with valine.
Molecular consequence: missense variant. On other transcripts: non-coding transcript variant (1).
Genome position (GRCh38, 1-based): chr8:140,397,655, A>C on the plus strand (T>G on the coding strand, the complement: TRAPPC9 is on the minus strand). VCF-style: chr8-140397655-A-C. GRCh37 (hg19) VCF-style: chr8-141407754-A-C.
Other names: c.1072T>G, p.Phe358Val (NM_001321646.2); c.1120T>G, p.Phe374Val (NM_001374682.1); c.1099T>G, p.Phe367Val (NM_001374683.1, NM_001374684.1, NM_031466.8); short protein forms F358V, F367V, F374V.
Identifiers: ClinVar variation 2671744 (VCV002671744.1), dbSNP rs2540230814, ClinGen allele CA372319386.
Genomic context (GRCh38, chr8:140,397,655, plus strand): 5'-CACTTACAGGTAGACATACACTCACCTGTCGAAGGTTAATGTAAACTGCATTCTGAAGAA[A>C]TTCTGATGCTTCCATGCTCCGTTTCTGAATTGCAAGGACACGTACAGCCTTGATGCACGC-3'
Protein context (NP_001153844.1, residues 357-377): IQKRSMEASE[Phe367Val]LQNAVYINLR

ClinVar aggregate classification (germline): Uncertain significance (1 of 4 stars; one submission).

Conditions:
Intellectual developmental disorder, autosomal recessive 13. Also called: Intellectual disability, autosomal recessive 13. Identifiers: Orphanet 88616, MedGen C2750791, MONDO:0013173, OMIM 613192.

Submission:

Neuberg Centre For Genomic Medicine, NCGM
Classification: Uncertain significance for Intellectual developmental disorder, autosomal recessive 13. Last evaluated: 2023-03-01. Review status: criteria provided, single submitter. Criteria: ACMG Guidelines, 2015. Collection method: clinical testing. Allele origin: germline. Inheritance: Autosomal recessive inheritance. Affected: yes.
Comment: The missense c.1099T>G (p.Phe367Val) variant in TRAPPC9 gene has not been reported previously as a pathogenic variant nor as a benign variant, to our knowledge. The p.Phe367Val variant is novel (not in any individuals) in gnomAD Exomes and 1000 Genomes. This variant has not been reported to the ClinVar database. The amino acid change p.Phe367Val in TRAPPC9 is predicted as conserved by GERP++ and PhyloP across 100 vertebrates. The amino acid Phe at position 367 is changed to a Val changing protein sequence and it might alter its composition and physico-chemical properties. For these reasons, this variant has been classified as Variant of Uncertain Significance (VUS).